The following is an entry in ClinVar:

NM_201596.3(CACNB2):c.1489-331C>T

Gene: CACNB2 (calcium voltage-gated channel auxiliary subunit beta 2; plus strand). Cytogenetic location: 10p12.31.
Variant type: single nucleotide variant.
Coding change: c.1489-331C>T on transcript NM_201596.3 (MANE Select); 331 bases into the intron before coding-DNA position 1489, C replaced by T.
Molecular consequence: intron variant.
Genome position (GRCh38, 1-based): chr10:18,538,899, C>T. VCF-style: chr10-18538899-C-T. GRCh37 (hg19) VCF-style: chr10-18827828-C-T.
Other names: c.1405-331C>T (NM_201571.4); c.1291-331C>T (NM_001167945.2); c.1333-331C>T (NM_201572.4); c.1375-331C>T (NM_201593.3); c.1417-331C>T (NM_201597.3); c.1324-331C>T (NM_000724.4); c.1210-331C>T (NM_001330060.2); c.1327-331C>T (NM_201590.3); and 1 more.
Identifiers: ClinVar variation 683298 (VCV000683298.1), dbSNP rs6482515, ClinGen allele CA15646705.

ClinVar aggregate classification (germline): Benign (1 of 4 stars; one submission).

Allele frequency attached by ClinVar (database versions not stated): gnomAD 0.32753; 1000 Genomes Project 0.33147; 1000 Genomes Project 30x 0.33167; TOPMed 0.32430.
gnomAD v4.1: 49,540 of 151,618 alleles (33%); highest among the groups gnomAD compares: Admixed American, 38%; 8,316 homozygotes.

Submission:

GeneDx
Classification: Benign. Last evaluated: 2018-06-19. Review status: criteria provided, single submitter. Criteria: GeneDx Variant Classification (06012015). Collection method: clinical testing. Allele origin: germline. Affected: yes.
Comment: This variant is considered likely benign or benign based on one or more of the following criteria: it is a conservative change, it occurs at a poorly conserved position in the protein, it is predicted to be benign by multiple in silico algorithms, and/or has population frequency not consistent with disease.